The following is an entry in ClinVar:

ClinVar aggregate classification (germline): Uncertain significance (1 of 4 stars; one submission).

Conditions:
Autosomal dominant nonsyndromic hearing loss 1. Also called: KONIGSMARK SYNDROME; DEAFNESS, AUTOSOMAL DOMINANT 1, WITH OR WITHOUT THROMBOCYTOPENIA. Identifiers: Orphanet 90635, MedGen C1852282, MONDO:0007424, OMIM 124900.
Progressive microcephaly-seizures-cortical blindness-developmental delay syndrome. Also called: Seizures, cortical blindness, and microcephaly syndrome. Identifiers: Orphanet 477814, MedGen C5567650, MONDO:0014714, OMIM 616632.

Submission:

Labcorp Genetics (formerly Invitae), Labcorp
Classification: Uncertain significance for Progressive microcephaly-seizures-cortical blindness-developmental delay syndrome; Autosomal dominant nonsyndromic hearing loss 1. Last evaluated: 2022-12-22. Review status: criteria provided, single submitter. Criteria: Invitae Variant Classification Sherloc (09022015). Collection method: clinical testing. Allele origin: germline.
Comment: This variant is not present in population databases (gnomAD no frequency). This sequence change replaces phenylalanine, which is neutral and non-polar, with leucine, which is neutral and non-polar, at codon 410 of the DIAPH1 protein (p.Phe410Leu). This variant has not been reported in the literature in individuals affected with DIAPH1-related conditions. In summary, the available evidence is currently insufficient to determine the role of this variant in disease. Therefore, it has been classified as a Variant of Uncertain Significance. Algorithms developed to predict the effect of sequence changes on RNA splicing suggest that this variant may disrupt the consensus splice site. Algorithms developed to predict the effect of missense changes on protein structure and function are either unavailable or do not agree on the potential impact of this missense change (SIFT: "Deleterious"; PolyPhen-2: "Not Available"; Align-GVGD: "Class C0").

NM_005219.5(DIAPH1):c.1230C>A (p.Phe410Leu)

Gene: DIAPH1 (diaphanous related formin 1; minus strand). Cytogenetic location: 5q31.3.
Variant type: single nucleotide variant.
Coding change: c.1230C>A on transcript NM_005219.5 (MANE Select); coding-DNA position 1230, C replaced by A.
Protein change: p.Phe410Leu; replaces phenylalanine 410 with leucine.
Molecular consequence: missense variant.
Genome position (GRCh38, 1-based): chr5:141,577,525, G>T on the plus strand (C>A on the coding strand, the complement: DIAPH1 is on the minus strand). VCF-style: chr5-141577525-G-T. GRCh37 (hg19) VCF-style: chr5-140957092-G-T.
Other names: c.1203C>A, p.Phe401Leu (NM_001079812.3); c.1230C>A, p.Phe410Leu (NM_001314007.2); short protein forms F401L, F410L.
Identifiers: ClinVar variation 2114030 (VCV002114030.4), dbSNP rs916593815, ClinGen allele CA128439446.